The following is an entry in ClinVar:

NM_001024630.4(RUNX2):c.686-1G>A

Gene: RUNX2 (RUNX family transcription factor 2; plus strand). Cytogenetic location: 6p21.1.
Variant type: single nucleotide variant.
Coding change: c.686-1G>A on transcript NM_001024630.4 (MANE Select); the canonical splice acceptor site of the intron before coding-DNA position 686, G replaced by A.
Molecular consequence: splice acceptor variant.
Genome position (GRCh38, 1-based): chr6:45,491,940, G>A. VCF-style: chr6-45491940-G-A. GRCh37 (hg19) VCF-style: chr6-45459677-G-A.
Other names: c.686-1G>A (NM_001015051.4); c.644-1G>A (NM_001369405.1, NM_001278478.2).
Identifiers: ClinVar variation 1212891 (VCV001212891.6), dbSNP rs2150407530, ClinGen allele CA363957913.
Genomic context (GRCh38, chr6:45,491,940, plus strand): 5'-TTAGCATGGTCAATTGTTCAGCTAATTAATATGCTTTTATTTTATGATTTGCTATTTCCA[G>A]GGCACAGACAGAAGCTTGATGACTCTAAACCTAGTTTGTTCTCTGACCGCCTCAGTGATT-3'

ClinVar aggregate classification (germline): Likely pathogenic (1 of 4 stars; one submission).

Submission:

GeneDx
Classification: Likely pathogenic. Last evaluated: 2022-05-18. Review status: criteria provided, single submitter. Criteria: GeneDx Variant Classification Process June 2021. Collection method: clinical testing. Allele origin: germline. Affected: yes.
Comment: Canonical splice site variant predicted to result in an in-frame deletion of a critical region; Not observed at significant frequency in large population cohorts (gnomAD); Has not been previously published as pathogenic or benign to our knowledge